The following is an entry in ClinVar:

NM_000264.5(PTCH1):c.2026T>C (p.Tyr676His)

Genes: PTCH1 (patched 1; minus strand), LOC100507346 (uncharacterized LOC100507346; plus strand). Cytogenetic location: 9q22.32.
Variant type: single nucleotide variant.
Coding change: c.2026T>C on transcript NM_000264.5 (MANE Select); coding-DNA position 2026, T replaced by C.
Protein change: p.Tyr676His; replaces tyrosine 676 with histidine.
Molecular consequence: missense variant. On other transcripts: non-coding transcript variant (2).
Genome position (GRCh38, 1-based): chr9:95,468,975, A>G on the plus strand (T>C on the coding strand, the complement: PTCH1 is on the minus strand). VCF-style: chr9-95468975-A-G. GRCh37 (hg19) VCF-style: chr9-98231257-A-G.
Other names: c.1828T>C, p.Tyr610His (NM_001083602.3); c.2023T>C, p.Tyr675His (NM_001083603.3); c.1573T>C, p.Tyr525His (NM_001083604.3, NM_001083605.3, NM_001083606.3 and 1 more transcripts); c.1870T>C, p.Tyr624His (NM_001354918.2); short protein forms Y525H, Y610H, Y675H, Y624H, Y676H.
Identifiers: ClinVar variation 2449625 (VCV002449625.5), dbSNP rs1270892737, ClinGen allele CA374115812.
Genomic context (GRCh38, chr9:95,468,975, plus strand): 5'-TGTCCTGTGTCACGGTGACGGGCTGCACAGAGATCTCGGAGCGCGGCTCAGCGGTGGTGT[A>G]GTACACGTGCGTGTGGGGGTCGTACTCCGTGCGGAGCTGGACAGTGGACTGCATGGTAAT-3'
Protein context (NP_000255.2, residues 666-686): TEYDPHTHVY[Tyr676His]TTAEPRSEIS

ClinVar aggregate classification (germline): Conflicting classifications of pathogenicity. Review status: criteria provided, conflicting classifications (1 of 4 stars). 2 submissions from 2 submitters: Uncertain significance (1); Likely benign (1). Last evaluated 2022-11-28.

Conditions:
Gorlin syndrome. Also called: Nevoid Basal Cell Carcinoma Syndrome; Basal cell nevus syndrome. Identifiers: Orphanet 377, MedGen C0004779, MONDO:0007187.
Hereditary cancer-predisposing syndrome. Also called: Hereditary neoplastic syndrome; Tumor predisposition; Neoplastic Syndromes, Hereditary; Hereditary Cancer Syndrome. Identifiers: Orphanet 140162, MedGen C0027672, MeSH D009386, MONDO:0015356.

Allele frequency attached by ClinVar (database versions not stated): gnomAD 0.00001.
gnomAD v4.1: 2 of 1,613,912 alleles (0.00012%); highest among the groups gnomAD compares: Non-Finnish European, 0.00017%; no homozygotes.

Submissions (2):

Labcorp Genetics (formerly Invitae), Labcorp
Classification: Likely benign for Gorlin syndrome. Last evaluated: 2022-11-28. Review status: criteria provided, single submitter. Criteria: Invitae Variant Classification Sherloc (09022015). Collection method: clinical testing. Allele origin: germline.

Ambry Genetics
Classification: Uncertain significance for Hereditary cancer-predisposing syndrome. Last evaluated: 2022-11-10. Review status: criteria provided, single submitter. Criteria: Ambry Variant Classification Scheme 2023. Collection method: clinical testing. Allele origin: germline.
Comment: The p.Y676H variant (also known as c.2026T>C), located in coding exon 14 of the PTCH1 gene, results from a T to C substitution at nucleotide position 2026. The tyrosine at codon 676 is replaced by histidine, an amino acid with similar properties. This amino acid position is conserved. In addition, this alteration is predicted to be deleterious by in silico analysis. Since supporting evidence is limited at this time, the clinical significance of this alteration remains unclear.